The following is an entry in ClinVar:

ClinVar aggregate classification (germline): Likely pathogenic (0 of 4 stars; one submission).

Conditions:
Congenital secretory diarrhea, chloride type (DIAR1). Also called: DIARRHEA 1, SECRETORY CHLORIDE, CONGENITAL; CHLORIDORRHEA, CONGENITAL; CHLORIDE DIARRHEA, CONGENITAL, FINNISH TYPE. Identifiers: Orphanet 53689, MedGen C0267662, MONDO:0008964, OMIM 214700.

Submission:

Juha Muilu Group; Institute for Molecular Medicine Finland (FIMM)
Classification: Likely pathogenic for Congenital secretory diarrhea, chloride type. Review status: no assertion criteria provided. Collection method: not provided. Allele origin: unknown.
Comment: FinDis database variant: This variant was not found or characterized by our laboratory, data were collected from public sources: see reference
ClinVar note: Converted during submission from probable-pathogenic to Likely pathogenic.

NM_000111.3(SLC26A3):c.1028G>A (p.Cys343Tyr)

Gene: SLC26A3 (solute carrier family 26 member 3; minus strand). Cytogenetic location: 7q22.3.
Variant type: single nucleotide variant.
Coding change: c.1028G>A on transcript NM_000111.3 (MANE Select); coding-DNA position 1028, G replaced by A.
Protein change: p.Cys343Tyr; replaces cysteine 343 with tyrosine.
Molecular consequence: missense variant.
Genome position (GRCh38, 1-based): chr7:107,783,296, C>T on the plus strand (G>A on the coding strand, the complement: SLC26A3 is on the minus strand). VCF-style: chr7-107783296-C-T. GRCh37 (hg19) VCF-style: chr7-107423741-C-T.
Other names: short protein forms C343Y.
Identifiers: ClinVar variation 55962 (VCV000055962.2), dbSNP rs386833444, ClinGen allele CA144035.